The following is an entry in ClinVar:

ClinVar aggregate classification (germline): Uncertain significance (1 of 4 stars; one submission).

Conditions:
Norman-Roberts syndrome (LIS2). Also called: Lissencephaly 2 (Norman-Roberts type). Identifiers: Orphanet 89844, MedGen C0796089, MONDO:0009760, OMIM 257320.
Familial temporal lobe epilepsy 7. Identifiers: Orphanet 101046, MedGen C4225327, MONDO:0014639, OMIM 616436.

Submission:

Labcorp Genetics (formerly Invitae), Labcorp
Classification: Uncertain significance for Familial temporal lobe epilepsy 7; Norman-Roberts syndrome. Last evaluated: 2025-10-08. Review status: criteria provided, single submitter. Criteria: Invitae Variant Classification Sherloc (09022015). Collection method: clinical testing. Allele origin: germline.
Comment: This sequence change replaces serine, which is neutral and polar, with cysteine, which is neutral and slightly polar, at codon 1756 of the RELN protein (p.Ser1756Cys). This variant is not present in population databases (gnomAD no frequency). This variant has not been reported in the literature in individuals affected with RELN-related conditions. Invitae Evidence Modeling of protein sequence and biophysical properties (such as structural, functional, and spatial information, amino acid conservation, physicochemical variation, residue mobility, and thermodynamic stability) indicates that this missense variant is not expected to disrupt RELN protein function with a negative predictive value of 80%. In summary, the available evidence is currently insufficient to determine the role of this variant in disease. Therefore, it has been classified as a Variant of Uncertain Significance.

NM_005045.4(RELN):c.5267C>G (p.Ser1756Cys)

Gene: RELN (reelin; minus strand). Cytogenetic location: 7q22.1.
Variant type: single nucleotide variant.
Coding change: c.5267C>G on transcript NM_005045.4 (MANE Select); coding-DNA position 5267, C replaced by G.
Protein change: p.Ser1756Cys; replaces serine 1756 with cysteine.
Molecular consequence: missense variant.
Genome position (GRCh38, 1-based): chr7:103,561,897, G>C on the plus strand (C>G on the coding strand, the complement: RELN is on the minus strand). VCF-style: chr7-103561897-G-C. GRCh37 (hg19) VCF-style: chr7-103202344-G-C.
Other names: c.5267C>G, p.Ser1756Cys (NM_173054.3); short protein forms S1756C.
Identifiers: ClinVar variation 4788619 (VCV004788619.1).